The following is an entry in ClinVar:

NM_006947.4(SRP72):c.1659G>C (p.Lys553Asn)

Gene: SRP72 (signal recognition particle 72; plus strand). Cytogenetic location: 4q12.
Variant type: single nucleotide variant.
Coding change: c.1659G>C on transcript NM_006947.4 (MANE Select); coding-DNA position 1659, G replaced by C.
Protein change: p.Lys553Asn; replaces lysine 553 with asparagine.
Molecular consequence: missense variant. On other transcripts: non-coding transcript variant (1).
Genome position (GRCh38, 1-based): chr4:56,495,375, G>C. VCF-style: chr4-56495375-G-C. GRCh37 (hg19) VCF-style: chr4-57361541-G-C.
Other names: c.1476G>C, p.Lys492Asn (NM_001267722.2); short protein forms K492N, K553N.
Identifiers: ClinVar variation 3253206 (VCV003253206.1), dbSNP rs2545772622.

ClinVar aggregate classification (germline): Uncertain significance (1 of 4 stars; one submission).

Submission:

GeneDx
Classification: Uncertain significance. Last evaluated: 2023-06-08. Review status: criteria provided, single submitter. Criteria: GeneDx Variant Classification Process June 2021. Collection method: clinical testing. Allele origin: germline. Affected: yes.
Comment: Not observed at significant frequency in large population cohorts (gnomAD); In silico analysis supports that this missense variant has a deleterious effect on protein structure/function; Has not been previously published as pathogenic or benign to our knowledge; This variant is associated with the following publications: (PMID: 21073748)